The following is an entry in ClinVar:

NM_002693.3(POLG):c.2651A>G (p.Tyr884Cys)

Gene: POLG (DNA polymerase gamma, catalytic subunit; minus strand). Cytogenetic location: 15q26.1.
Variant type: single nucleotide variant.
Coding change: c.2651A>G on transcript NM_002693.3 (MANE Select); coding-DNA position 2651, A replaced by G.
Protein change: p.Tyr884Cys; replaces tyrosine 884 with cysteine.
Molecular consequence: missense variant.
Genome position (GRCh38, 1-based): chr15:89,321,208, T>C on the plus strand (A>G on the coding strand, the complement: POLG is on the minus strand). VCF-style: chr15-89321208-T-C. GRCh37 (hg19) VCF-style: chr15-89864439-T-C.
Other names: p.Tyr884Cys; c.2651A>G (NM_002693.2); c.2651A>G, p.Tyr884Cys (NM_001126131.2); short protein forms Y884C.
Identifiers: ClinVar variation 374527 (VCV000374527.11), dbSNP rs1057519140, ClinGen allele CA16043779.

ClinVar aggregate classification (germline): Uncertain significance. Review status: criteria provided, multiple submitters, no conflicts (2 of 4 stars). 4 submissions from 4 submitters: Uncertain significance (4). Last evaluated 2025-05-07.

Conditions:
Progressive sclerosing poliodystrophy (MTDPS4A). Also called: ALPERS PROGRESSIVE INFANTILE POLIODYSTROPHY; NEURONAL DEGENERATION OF CHILDHOOD WITH LIVER DISEASE, PROGRESSIVE; Alpers-Huttenlocher Syndrome (AHS); Alpers Syndrome; Mitochondrial DNA Depletion Syndrome 4A; ALPERS DIFFUSE DEGENERATION OF CEREBRAL GRAY MATTER WITH HEPATIC CIRRHOSIS. Identifiers: Orphanet 726, MedGen C0205710, MONDO:0008758, OMIM 203700.

Allele frequency attached by ClinVar (database versions not stated): gnomAD exomes below 0.00001 and 0.00001; TOPMed below 0.00001.
gnomAD v4.1: 2 of 1,614,074 alleles (0.00012%); highest among the groups gnomAD compares: Middle Eastern, 0.016%; no homozygotes.

Submissions (4):

Mayo Clinic Laboratories, Mayo Clinic
Classification: Uncertain significance. Last evaluated: 2025-05-07. Review status: criteria provided, single submitter. Criteria: ACMG Guidelines, 2015. Collection method: clinical testing. Allele origin: germline. Observed: 1 variant allele.
Comment: PP3_strong

GeneDx
Classification: Uncertain significance. Last evaluated: 2025-04-24. Review status: criteria provided, single submitter. Criteria: GeneDx Variant Classification Process June 2021. Collection method: clinical testing. Allele origin: germline. Affected: yes.
Comment: Not observed at significant frequency in large population cohorts (gnomAD); In silico analysis supports that this missense variant has a deleterious effect on protein structure/function; Has not been previously published as pathogenic or benign to our knowledge

Labcorp Genetics (formerly Invitae), Labcorp
Classification: Uncertain significance for Progressive sclerosing poliodystrophy. Last evaluated: 2025-02-13. Review status: criteria provided, single submitter. Criteria: Invitae Variant Classification Sherloc (09022015). Collection method: clinical testing. Allele origin: germline.
Comment: This sequence change replaces tyrosine, which is neutral and polar, with cysteine, which is neutral and slightly polar, at codon 884 of the POLG protein (p.Tyr884Cys). This variant is present in population databases (no rsID available, gnomAD 0.0009%). This variant has not been reported in the literature in individuals affected with POLG-related conditions. ClinVar contains an entry for this variant (Variation ID: 374527). Invitae Evidence Modeling of protein sequence and biophysical properties (such as structural, functional, and spatial information, amino acid conservation, physicochemical variation, residue mobility, and thermodynamic stability) indicates that this missense variant is expected to disrupt POLG protein function with a positive predictive value of 95%. In summary, the available evidence is currently insufficient to determine the role of this variant in disease. Therefore, it has been classified as a Variant of Uncertain Significance.

CeGaT Center for Human Genetics Tuebingen
Classification: Uncertain significance. Last evaluated: 2017-02-28. Review status: criteria provided, single submitter. Criteria: Praxis fuer Humangenetik Tuebingen - Variant Classification Criteria. Collection method: clinical testing. Allele origin: germline. Affected: yes. Observed: 2 variant alleles.